The following is an entry in ClinVar:

NM_152672.6(SLC51A):c.522-10C>T

Gene: SLC51A (solute carrier family 51 member A; plus strand). Cytogenetic location: 3q29.
Variant type: single nucleotide variant.
Coding change: c.522-10C>T on transcript NM_152672.6 (MANE Select); 10 bases into the intron before coding-DNA position 522, C replaced by T.
Molecular consequence: intron variant.
Genome position (GRCh38, 1-based): chr3:196,228,799, C>T. VCF-style: chr3-196228799-C-T. GRCh37 (hg19) VCF-style: chr3-195955670-C-T.
Identifiers: ClinVar variation 3049126 (VCV003049126.2), dbSNP rs779232895, ClinGen allele CA2779127.

ClinVar aggregate classification (germline): Likely benign (0 of 4 stars; one submission).

Conditions:
SLC51A-related disorder. Also called: SLC51A-related condition.

Allele frequency attached by ClinVar (database versions not stated): ExAC 0.00005; TOPMed 0.00008; gnomAD exomes 0.00014.
gnomAD v4.1: 204 of 1,612,138 alleles (0.013%); highest among the groups gnomAD compares: Non-Finnish European, 0.017%; no homozygotes.

Submission:

PreventionGenetics, part of Exact Sciences
Classification: Likely benign for SLC51A-related condition. Last evaluated: 2023-11-13. Review status: no assertion criteria provided. Collection method: clinical testing. Allele origin: germline.
Comment: This variant is classified as likely benign based on ACMG/AMP sequence variant interpretation guidelines (Richards et al. 2015 PMID: 25741868, with internal and published modifications).